The following is an entry in ClinVar:

NM_007215.4(POLG2):c.1021G>T (p.Asp341Tyr)

Genes: MILR1 (mast cell immunoglobulin like receptor 1; plus strand), POLG2 (DNA polymerase gamma 2, accessory subunit; minus strand). Cytogenetic location: 17q23.3.
Variant type: single nucleotide variant.
Coding change: c.1021G>T on transcript NM_007215.4 (MANE Select); coding-DNA position 1021, G replaced by T.
Protein change: p.Asp341Tyr; replaces aspartic acid 341 with tyrosine.
Molecular consequence: missense variant.
Genome position (GRCh38, 1-based): chr17:64,485,817, C>A on the plus strand (G>T on the coding strand, the complement: POLG2 is on the minus strand). VCF-style: chr17-64485817-C-A. GRCh37 (hg19) VCF-style: chr17-62481934-C-A.
Other names: c.1021G>T (NM_007215.3); short protein forms D341Y.
Identifiers: ClinVar variation 3670164 (VCV003670164.3).

ClinVar aggregate classification (germline): Uncertain significance. Review status: criteria provided, multiple submitters, no conflicts (2 of 4 stars). 2 submissions from 2 submitters: Uncertain significance (2). Last evaluated 2025-06-01.

gnomAD v4.1: 4 of 1,613,202 alleles (0.00025%); highest among the groups gnomAD compares: Non-Finnish European, 0.00034%; no homozygotes.

Submissions (2):

GeneDx
Classification: Uncertain significance. Last evaluated: 2025-06-01. Review status: criteria provided, single submitter. Criteria: GeneDx Variant Classification Process June 2021. Collection method: clinical testing. Allele origin: germline. Affected: yes.
Comment: In silico analysis supports that this missense variant has a deleterious effect on protein structure/function; Has not been previously published as pathogenic or benign to our knowledge

Labcorp Genetics (formerly Invitae), Labcorp
Classification: Uncertain significance. Last evaluated: 2024-08-14. Review status: criteria provided, single submitter. Criteria: Invitae Variant Classification Sherloc (09022015). Collection method: clinical testing. Allele origin: germline.
Comment: This sequence change replaces aspartic acid, which is acidic and polar, with tyrosine, which is neutral and polar, at codon 341 of the POLG2 protein (p.Asp341Tyr). This variant is present in population databases (no rsID available, gnomAD 0.0009%). This variant has not been reported in the literature in individuals affected with POLG2-related conditions. An algorithm developed to predict the effect of missense changes on protein structure and function (PolyPhen-2) suggests that this variant is likely to be disruptive. In summary, the available evidence is currently insufficient to determine the role of this variant in disease. Therefore, it has been classified as a Variant of Uncertain Significance.